The following is an entry in ClinVar:

ClinVar aggregate classification (germline): Uncertain significance (1 of 4 stars; one submission).

gnomAD v4.1: 1 of 1,614,220 alleles (0.000062%); highest among the groups gnomAD compares: Non-Finnish European, 0.000085%; no homozygotes.

Submission:

GeneDx
Classification: Uncertain significance. Last evaluated: 2026-04-23. Review status: criteria provided, single submitter. Criteria: GeneDx Variant Classification Process June 2021. Collection method: clinical testing. Allele origin: germline.
Comment: Not observed at significant frequency in large population cohorts (gnomAD); In silico analysis supports that this missense variant has a deleterious effect on protein structure/function; Has not been previously published as pathogenic or benign to our knowledge

NM_012199.5(AGO1):c.839G>T (p.Cys280Phe)

Genes: AGO1 (argonaute RISC component 1; plus strand), LOC126805695 (MED14-independent group 3 enhancer GRCh37_chr1:36359789-36360988; plus strand). Cytogenetic location: 1p34.3.
Variant type: single nucleotide variant.
Coding change: c.839G>T on transcript NM_012199.5 (MANE Select); coding-DNA position 839, G replaced by T.
Protein change: p.Cys280Phe; replaces cysteine 280 with phenylalanine.
Molecular consequence: missense variant.
Genome position (GRCh38, 1-based): chr1:35,894,369, G>T. VCF-style: chr1-35894369-G-T. GRCh37 (hg19) VCF-style: chr1-36359970-G-T.
Other names: c.839G>T, p.Cys280Phe (NM_001317122.2); c.614G>T, p.Cys205Phe (NM_001317123.2); short protein forms C205F, C280F.
Identifiers: ClinVar variation 5037614 (VCV005037614.1).